The following is an entry in ClinVar:

ClinVar aggregate classification (germline): Uncertain significance (1 of 4 stars; one submission).

Conditions:
Nemaline myopathy 6 (NEM6). Also called: Nemaline myopathy 6, autosomal dominant. Identifiers: Orphanet 171439, MedGen C1836472, MONDO:0012237, OMIM 609273.

Submission:

Labcorp Genetics (formerly Invitae), Labcorp
Classification: Uncertain significance for Nemaline myopathy 6. Last evaluated: 2025-07-09. Review status: criteria provided, single submitter. Criteria: Invitae Variant Classification Sherloc (09022015). Collection method: clinical testing. Allele origin: germline.
Comment: This sequence change affects codon 358 of the KBTBD13 mRNA. It is a 'silent' change, meaning that it does not change the encoded amino acid sequence of the KBTBD13 protein. This variant is present in population databases (rs771371679, gnomAD 0.0009%). This variant has not been reported in the literature in individuals affected with KBTBD13-related conditions. In summary, the available evidence is currently insufficient to determine the role of this variant in disease. Therefore, it has been classified as a Variant of Uncertain Significance.

NM_001101362.3(KBTBD13):c.1074C>T (p.Asn358=)

Gene: KBTBD13 (kelch repeat and BTB domain containing 13; plus strand). Cytogenetic location: 15q22.31.
Variant type: single nucleotide variant.
Coding change: c.1074C>T on transcript NM_001101362.3 (MANE Select); coding-DNA position 1074, C replaced by T.
Protein change: p.Asn358=; no amino-acid change (asparagine 358 retained).
Molecular consequence: synonymous variant.
Genome position (GRCh38, 1-based): chr15:65,077,889, C>T. VCF-style: chr15-65077889-C-T. GRCh37 (hg19) VCF-style: chr15-65370227-C-T.
Identifiers: ClinVar variation 4740937 (VCV004740937.1).